The following is an entry in ClinVar:

ClinVar aggregate classification (germline): Likely pathogenic (1 of 4 stars; one submission).

Conditions:
Intellectual developmental disorder, autosomal dominant 64. Also called: MENTAL RETARDATION, AUTOSOMAL DOMINANT 64. Identifiers: MedGen C5543067, MONDO:0030934, OMIM 619188.

Submission:

Institute of Human Genetics, University of Leipzig Medical Center
Classification: Likely pathogenic for Intellectual developmental disorder, autosomal dominant 64. Last evaluated: 2024-10-01. Review status: criteria provided, single submitter. Criteria: ACMG Guidelines, 2015. Collection method: clinical testing. Allele origin: unknown. Affected: yes.
Comment: Criteria applied: PVS1_STR,PM2

NM_015021.3(ZNF292):c.3914_3917del (p.Thr1305fs)

Gene: ZNF292 (zinc finger protein 292; plus strand). Cytogenetic location: 6q14.3.
Variant type: Deletion.
Coding change: c.3914_3917del on transcript NM_015021.3 (MANE Select); coding-DNA positions 3914 to 3917, 4 bases deleted (CTAA; older notation c.3914_3917delCTAA).
Protein change: p.Thr1305fs; shifts the reading frame from threonine 1305.
Molecular consequence: frameshift variant.
Genome position (GRCh38, 1-based): chr6:87,257,543-87,257,546, CTAA deleted; deleting any 4 consecutive bases within chr6:87,257,542-87,257,546 gives the same sequence; the c. name uses the placement nearest the transcript's 3' end. VCF-style (leftmost placement, unchanged base first): chr6-87257541-CACTA-C. GRCh37 (hg19) VCF-style: chr6-87967259-CACTA-C.
Other names: c.3494_3497del, p.Thr1165fs (NM_001351444.2); short protein forms T1165fs, T1305fs.
Identifiers: ClinVar variation 3376155 (VCV003376155.3).